The following is an entry in ClinVar:

ClinVar aggregate classification (germline): Conflicting classifications of pathogenicity. Review status: criteria provided, conflicting classifications (1 of 4 stars). 3 submissions from 3 submitters: Likely pathogenic (1); Uncertain significance (2). Last evaluated 2024-12-02.

Conditions:
Early-infantile DEE. Also called: Ohtahara syndrome; Early infantile epileptic encephalopathy; Early infantile epileptic encephalopathy with suppression bursts. Identifiers: Orphanet 1934, MedGen C0393706, MONDO:0800491.

Submissions (3):

GeneDx
Classification: Uncertain significance. Last evaluated: 2024-12-02. Review status: criteria provided, single submitter. Criteria: GeneDx Variant Classification Process June 2021. Collection method: clinical testing. Allele origin: germline. Affected: yes.
Comment: Observed in an individual with Dravet syndrome; however, additional clinical information was not provided and information regarding parental testing was not available (PMID: 23398550); Not observed at significant frequency in large population cohorts (gnomAD); In silico analysis supports that this missense variant has a deleterious effect on protein structure/function; This substitution is predicted to be within the C-terminal cytoplasmic domain; This variant is associated with the following publications: (PMID: 32169601, 23398550)

Women's Health and Genetics/Laboratory Corporation of America, LabCorp
Classification: Uncertain significance. Last evaluated: 2023-07-28. Review status: criteria provided, single submitter. Criteria: LabCorp Variant Classification Summary - May 2015. Collection method: clinical testing. Allele origin: germline.
Comment: Variant summary: SCN1A c.5657G>A (p.Arg1886Gln) results in a conservative amino acid change in the encoded protein sequence. Three of five in-silico tools predict a damaging effect of the variant on protein function. The variant was absent in 250570 control chromosomes. The available data on variant occurrences in the general population are insufficient to allow any conclusion about variant significance. c.5657G>A has been reported in the literature in one individual affected with Dravet syndrome. These report(s) do not provide unequivocal conclusions about association of the variant with SCN1A-Related Seizure Disorder. To our knowledge, no experimental evidence demonstrating an impact on protein function has been reported. Two submitters have cited clinical-significance assessments for this variant to ClinVar after 2014. One submitter classified the variant as likely pathogenic, and one submitter classified the variant as uncertain significance. Based on the evidence outlined above, the variant was classified as uncertain significance.

Labcorp Genetics (formerly Invitae), Labcorp
Classification: Likely pathogenic for Early-infantile DEE. Last evaluated: 2023-05-16. Review status: criteria provided, single submitter. Criteria: Invitae Variant Classification Sherloc (09022015). Collection method: clinical testing. Allele origin: germline.
Comment: In summary, the currently available evidence indicates that the variant is pathogenic, but additional data are needed to prove that conclusively. Therefore, this variant has been classified as Likely Pathogenic. Advanced modeling of protein sequence and biophysical properties (such as structural, functional, and spatial information, amino acid conservation, physicochemical variation, residue mobility, and thermodynamic stability) performed at Invitae indicates that this missense variant is expected to disrupt SCN1A protein function. ClinVar contains an entry for this variant (Variation ID: 565945). This missense change has been observed in individual(s) with Dravet syndrome (PMID: 23398550). This variant is not present in population databases (gnomAD no frequency). This sequence change replaces arginine, which is basic and polar, with glutamine, which is neutral and polar, at codon 1886 of the SCN1A protein (p.Arg1886Gln).

Literature cited by the submitters: PubMed 23398550 (cited by Women's Health and Genetics/Laboratory Corporation of America, LabCorp and Labcorp Genetics (formerly Invitae), Labcorp).

NM_001165963.4(SCN1A):c.5657G>A (p.Arg1886Gln)

Genes: SCN1A (sodium voltage-gated channel alpha subunit 1; minus strand), LOC102724058 (uncharacterized LOC102724058; plus strand). Cytogenetic location: 2q24.3.
Variant type: single nucleotide variant.
Coding change: c.5657G>A on transcript NM_001165963.4 (MANE Select); coding-DNA position 5657, G replaced by A.
Protein change: p.Arg1886Gln; replaces arginine 1886 with glutamine.
Molecular consequence: missense variant. On other transcripts: non-coding transcript variant (1).
Genome position (GRCh38, 1-based): chr2:165,991,618, C>T on the plus strand (G>A on the coding strand, the complement: SCN1A is on the minus strand). VCF-style: chr2-165991618-C-T. GRCh37 (hg19) VCF-style: chr2-166848128-C-T.
Other names: c.5573G>A, p.Arg1858Gln (NM_001165964.3, NM_001353957.2, NM_001353958.2); c.5657G>A, p.Arg1886Gln (NM_001202435.3, NM_001353948.2); c.5624G>A, p.Arg1875Gln (NM_001353949.2, NM_001353950.2, NM_001353951.2 and 2 more transcripts); c.5621G>A, p.Arg1874Gln (NM_001353954.2, NM_001353955.2); c.5570G>A, p.Arg1857Gln (NM_001353960.2); c.3215G>A, p.Arg1072Gln (NM_001353961.2); short protein forms R1875Q, R1886Q, R1072Q, R1858Q, R1874Q, R1857Q.
Identifiers: ClinVar variation 565945 (VCV000565945.13), dbSNP rs1559100385, ClinGen allele CA349064968.